The following is an entry in ClinVar:

NM_178040.4(ERC1):c.1738-6A>C

Gene: ERC1 (ELKS/RAB6-interacting/CAST family member 1; plus strand). Cytogenetic location: 12p13.33.
Variant type: single nucleotide variant.
Coding change: c.1738-6A>C on transcript NM_178040.4 (MANE Select); 6 bases into the intron before coding-DNA position 1738, A replaced by C.
Molecular consequence: intron variant.
Genome position (GRCh38, 1-based): chr12:1,180,534, A>C. VCF-style: chr12-1180534-A-C. GRCh37 (hg19) VCF-style: chr12-1289700-A-C.
Other names: c.1654-6A>C (NM_178039.4); c.1738-6A>C (NM_001301248.1).
Identifiers: ClinVar variation 3053812 (VCV003053812.2), dbSNP rs778780521, ClinGen allele CA6384554.

ClinVar aggregate classification (germline): Likely benign (0 of 4 stars; one submission).

Conditions:
ERC1-related disorder. Also called: ERC1-related condition.

gnomAD v4.1: 50 of 1,613,284 alleles (0.0031%); highest among the groups gnomAD compares: Admixed American, 0.075%; no homozygotes.

Submission:

PreventionGenetics, part of Exact Sciences
Classification: Likely benign for ERC1-related condition. Last evaluated: 2019-09-05. Review status: no assertion criteria provided. Collection method: clinical testing. Allele origin: germline.
Comment: This variant is classified as likely benign based on ACMG/AMP sequence variant interpretation guidelines (Richards et al. 2015 PMID: 25741868, with internal and published modifications).